The following is an entry in ClinVar:

NM_000069.3(CACNA1S):c.2785G>A (p.Gly929Arg)

Gene: CACNA1S (calcium voltage-gated channel subunit alpha1 S; minus strand). Cytogenetic location: 1q32.1.
Variant type: single nucleotide variant.
Coding change: c.2785G>A on transcript NM_000069.3 (MANE Select); coding-DNA position 2785, G replaced by A.
Protein change: p.Gly929Arg; replaces glycine 929 with arginine.
Molecular consequence: missense variant.
Genome position (GRCh38, 1-based): chr1:201,065,906, C>T on the plus strand (G>A on the coding strand, the complement: CACNA1S is on the minus strand). VCF-style: chr1-201065906-C-T. GRCh37 (hg19) VCF-style: chr1-201035034-C-T.
Other names: short protein forms G929R.
Identifiers: ClinVar variation 2082374 (VCV002082374.6), dbSNP rs146903750, ClinGen allele CA079290.

ClinVar aggregate classification (germline): Conflicting classifications of pathogenicity. Review status: criteria provided, conflicting classifications (1 of 4 stars). 3 submissions from 3 submitters: Uncertain significance (2); Likely benign (1). Last evaluated 2025-05-25.

Conditions:
Malignant hyperthermia, susceptibility to, 5 (MHS5). Also called: CACNA1S-Related Malignant Hyperthermia Susceptibility. Identifiers: Orphanet 423, MedGen C1866077, MONDO:0011163, OMIM 601887.
Hypokalemic periodic paralysis, type 1. Also called: Hypokalemic Periodic Paralysis Type 1 (AD); HypoPP. Identifiers: Orphanet 681, MedGen C3714580, MONDO:0042979, OMIM 170400.
Thyrotoxic periodic paralysis, susceptibility to, 1 (TTPP1). Identifiers: Orphanet 79102, MedGen C2749982, MONDO:0008570, OMIM 188580.
Congenital myopathy 18. Also called: Myopathy, congenital, due to dihydropyridine receptor defect; DIHYDROPYRIDINE RECEPTOR CONGENITAL MYOPATHY; DHPR CONGENITAL MYOPATHY. Identifiers: MedGen C5830283, MONDO:0859514, OMIM 620246.

Allele frequency attached by ClinVar (database versions not stated): ExAC 0.00001; gnomAD 0.00002 and 0.00003; gnomAD exomes 0.00002; TOPMed 0.00003 and 0.00006; ESP Exome Variant Server 0.00015.
gnomAD v4.1: 35 of 1,613,882 alleles (0.0022%); highest among the groups gnomAD compares: Non-Finnish European, 0.0025%; no homozygotes.

Submissions (3):

Labcorp Genetics (formerly Invitae), Labcorp
Classification: Likely benign for Hypokalemic periodic paralysis, type 1; Malignant hyperthermia, susceptibility to, 5. Last evaluated: 2025-05-25. Review status: criteria provided, single submitter. Criteria: Invitae Variant Classification Sherloc (09022015). Collection method: clinical testing. Allele origin: germline.

Color Diagnostics, LLC DBA Color Health
Classification: Uncertain significance for Malignant hyperthermia, susceptibility to, 5. Last evaluated: 2024-10-21. Review status: criteria provided, single submitter. Criteria: ACMG Guidelines, 2015. Collection method: clinical testing. Allele origin: germline.
Comment: This missense variant replaces glycine with arginine at codon 929 of the CACNA1S protein. Computational prediction suggests that this variant may have deleterious impact on protein structure and function (internally defined REVEL score threshold >= 0.7, PMID: 27666373). To our knowledge, functional studies have not been reported for this variant. This variant has not been reported in individuals affected with CACNA1S-related disorders in the literature. This variant has been identified in 5/282320 chromosomes in the general population by the Genome Aggregation Database (gnomAD). The available evidence is insufficient to determine the role of this variant in disease conclusively. Therefore, this variant is classified as a Variant of Uncertain Significance.

Fulgent Genetics
Classification: Uncertain significance for Hypokalemic periodic paralysis, type 1; Thyrotoxic periodic paralysis, susceptibility to, 1; Malignant hyperthermia, susceptibility to, 5; Congenital myopathy 18. Last evaluated: 2024-01-31. Review status: criteria provided, single submitter. Criteria: ACMG Guidelines, 2015. Collection method: clinical testing. Allele origin: germline.